The following is an entry in ClinVar:

NM_207122.2(EXT2):c.865dup (p.Leu289fs)

Gene: EXT2 (exostosin glycosyltransferase 2; plus strand). Cytogenetic location: 11p11.2.
Variant type: Duplication.
Coding change: c.865dup on transcript NM_207122.2 (MANE Select); coding-DNA position 865, one base duplicated (C; older notation c.865dupC).
Protein change: p.Leu289fs; shifts the reading frame from leucine 289.
Molecular consequence: frameshift variant.
Genome position (GRCh38, 1-based): chr11:44,124,910, C duplicated; the last of 2 consecutive C bases (chr11:44,124,909-44,124,910); duplicating either gives the same sequence. VCF-style (leftmost placement, unchanged base first): chr11-44124908-A-AC. GRCh37 (hg19) VCF-style: chr11-44146458-A-AC.
Other names: c.964dup, p.Leu322fs (NM_000401.3); c.865dup, p.Leu289fs (NM_001178083.3, NM_001389628.1, NM_001389630.1); short protein forms L322fs, L289fs.
Identifiers: ClinVar variation 3651887 (VCV003651887.2).

ClinVar aggregate classification (germline): Pathogenic (1 of 4 stars; one submission).

Conditions:
Exostoses, multiple, type 2 (EXT2). Also called: Hereditary Multiple Osteochondromatosis, Type II; EXOSTOSES, MULTIPLE, TYPE II. Identifiers: Orphanet 321, MedGen C1851413, MONDO:0007586, OMIM 133701.

Submission:

Labcorp Genetics (formerly Invitae), Labcorp
Classification: Pathogenic for Exostoses, multiple, type 2. Last evaluated: 2024-05-01. Review status: criteria provided, single submitter. Criteria: Invitae Variant Classification Sherloc (09022015). Collection method: clinical testing. Allele origin: germline.
Comment: This sequence change creates a premature translational stop signal (p.Leu289Profs*10) in the EXT2 gene. It is expected to result in an absent or disrupted protein product. Loss-of-function variants in EXT2 are known to be pathogenic (PMID: 10679937, 19810120). This variant is not present in population databases (gnomAD no frequency). This variant has not been reported in the literature in individuals affected with EXT2-related conditions. For these reasons, this variant has been classified as Pathogenic.

Literature cited by the submitters: PubMed 10679937; PubMed 19810120.